The following is an entry in ClinVar:

NM_017950.4(CCDC40):c.2191A>G (p.Asn731Asp)

Gene: CCDC40 (coiled-coil domain 40 molecular ruler complex subunit; plus strand). Cytogenetic location: 17q25.3.
Variant type: single nucleotide variant.
Coding change: c.2191A>G on transcript NM_017950.4 (MANE Select); coding-DNA position 2191, A replaced by G.
Protein change: p.Asn731Asp; replaces asparagine 731 with aspartic acid.
Molecular consequence: missense variant.
Genome position (GRCh38, 1-based): chr17:80,084,944, A>G. VCF-style: chr17-80084944-A-G. GRCh37 (hg19) VCF-style: chr17-78058743-A-G.
Other names: c.2191A>G, p.Asn731Asp (NM_001243342.2); short protein forms N731D.
Identifiers: ClinVar variation 2059069 (VCV002059069.2), dbSNP rs749147749, ClinGen allele CA8814128.

ClinVar aggregate classification (germline): Uncertain significance (1 of 4 stars; one submission).

Conditions:
Primary ciliary dyskinesia. Also called: Ciliary dyskinesia. Identifiers: Orphanet 244, MedGen C0008780, MONDO:0016575, HP:0012265.

Allele frequency attached by ClinVar (database versions not stated): TOPMed below 0.00001; gnomAD 0.00001; gnomAD exomes 0.00001; ExAC 0.00002.
gnomAD v4.1: 19 of 1,613,896 alleles (0.0012%); highest among the groups gnomAD compares: Non-Finnish European, 0.0015%; no homozygotes.

Submission:

Labcorp Genetics (formerly Invitae), Labcorp
Classification: Uncertain significance for Primary ciliary dyskinesia. Last evaluated: 2023-12-12. Review status: criteria provided, single submitter. Criteria: Invitae Variant Classification Sherloc (09022015). Collection method: clinical testing. Allele origin: germline.
Comment: This sequence change replaces asparagine, which is neutral and polar, with aspartic acid, which is acidic and polar, at codon 731 of the CCDC40 protein (p.Asn731Asp). This variant is present in population databases (rs749147749, gnomAD 0.003%). This variant has not been reported in the literature in individuals affected with CCDC40-related conditions. ClinVar contains an entry for this variant (Variation ID: 2059069). Advanced modeling of protein sequence and biophysical properties (such as structural, functional, and spatial information, amino acid conservation, physicochemical variation, residue mobility, and thermodynamic stability) performed at Invitae indicates that this missense variant is not expected to disrupt CCDC40 protein function with a negative predictive value of 80%. In summary, the available evidence is currently insufficient to determine the role of this variant in disease. Therefore, it has been classified as a Variant of Uncertain Significance.